The following is an entry in ClinVar:

ClinVar aggregate classification (germline): Uncertain significance. Review status: criteria provided, single submitter (1 of 4 stars). 2 submissions from 1 submitter: Uncertain significance (1). 1 of the submissions does not count toward it. Last evaluated 2022-09-01.

Conditions:
D-2-hydroxyglutaric aciduria 2 (D2HGA2). Identifiers: Orphanet 79315, MedGen C3150909, MONDO:0013345, OMIM 613657.

Submissions (2):

Labcorp Genetics (formerly Invitae), Labcorp
Classification: Uncertain significance for D-2-hydroxyglutaric aciduria 2. Last evaluated: 2022-09-01. Review status: criteria provided, single submitter. Criteria: Invitae Variant Classification Sherloc (09022015). Collection method: clinical testing. Allele origin: germline.
Comment: In summary, the available evidence is currently insufficient to determine the role of this variant in disease. Therefore, it has been classified as a Variant of Uncertain Significance. This variant has not been reported in the literature in individuals affected with IDH2-related conditions. A copy number gain of the genomic region encompassing the full coding sequence of the IDH2 gene has been identified. The boundaries of this event are unknown as they extend beyond the assayed region for this gene and therefore may encompass additional genes. As the precise location of this event is unknown, it may be in tandem or it may be located elsewhere in the genome.

Labcorp Genetics (formerly Invitae), Labcorp
Classification: Uncertain significance. Last evaluated: 2022-03-26. Review status: flagged submission. Criteria: Invitae Variant Classification Sherloc (09022015). Collection method: clinical testing. Allele origin: germline. Not counted in ClinVar's aggregate classification.
Comment: A copy number gain of the genomic region encompassing the full coding sequence of the RLBP1 gene has been identified. The boundaries of this event are unknown as they extend beyond the assayed region for this gene and therefore may encompass additional genes. As the precise location of this event is unknown, it may be in tandem or it may be located elsewhere in the genome. This variant has not been reported in the literature in individuals affected with RLBP1-related conditions. In summary, the available evidence is currently insufficient to determine the role of this variant in disease. Therefore, it has been classified as a Variant of Uncertain Significance.
ClinVar note: Reason: This record appears to be redundant with a more recent record from the same submitter.
ClinVar note: Notes: SCV003792151 appears to be redundant with SCV003794583.

NC_000015.9:g.(?_89379429)_(91565479_?)dup

Genes: FURIN (furin, paired basic amino acid cleaving enzyme; plus strand), POLG (DNA polymerase gamma, catalytic subunit; minus strand), IQGAP1 (IQ motif containing GTPase activating protein 1; plus strand), GDPGP1 (GDP-D-glucose phosphorylase 1; plus strand), MIR9-3 (microRNA 9-3; plus strand) and 34 more. Cytogenetic location: 15q26.1.
Variant type: Duplication.
Identifiers: ClinVar variation 2422891 (VCV002422891.5).